The following is an entry in ClinVar:

ClinVar aggregate classification (germline): Pathogenic (1 of 4 stars; one submission).

Conditions:
Cornelia de Lange syndrome 5 (CDLS5). Also called: HDAC8-Related Cornelia de Lange Syndrome. Identifiers: Orphanet 199, MedGen C3550903, MONDO:0010471, OMIM 300882.

Submission:

Labcorp Genetics (formerly Invitae), Labcorp
Classification: Pathogenic for Cornelia de Lange syndrome 5. Last evaluated: 2020-02-06. Review status: criteria provided, single submitter. Criteria: Invitae Variant Classification Sherloc (09022015). Collection method: clinical testing. Allele origin: germline.
Comment: Algorithms developed to predict the effect of sequence changes on RNA splicing suggest that this variant may create or strengthen a splice site, but this prediction has not been confirmed by published transcriptional studies. Loss-of-function variants in HDAC8 are known to be pathogenic (PMID: 19605684, 22885700, 24403048, 25075551, 26671848). For these reasons, this variant has been classified as Pathogenic. This nonsense change has been observed in individual(s) with clinical features of Cornelia de Lange syndrome (PMID: 29293505). This sequence change creates a premature translational stop signal (p.Tyr174*) in the HDAC8 gene. It is expected to result in an absent or disrupted protein product. This variant is not present in population databases (ExAC no frequency).

Literature cited by the submitters: PubMed 19605684; PubMed 22885700; PubMed 24403048; PubMed 25075551; PubMed 26671848; PubMed 29293505.

NM_018486.3(HDAC8):c.522C>G (p.Tyr174Ter)

Gene: HDAC8 (histone deacetylase 8; minus strand). Cytogenetic location: Xq13.1.
Variant type: single nucleotide variant.
Coding change: c.522C>G on transcript NM_018486.3 (MANE Select); coding-DNA position 522, C replaced by G.
Protein change: p.Tyr174Ter; replaces tyrosine 174 with a stop codon.
Molecular consequence: nonsense. On other transcripts: non-coding transcript variant (1).
Genome position (GRCh38, 1-based): chrX:72,495,184, G>C on the plus strand (C>G on the coding strand, the complement: HDAC8 is on the minus strand). VCF-style: chrX-72495184-G-C. GRCh37 (hg19) VCF-style: chrX-71715034-G-C.
Other names: c.249C>G, p.Tyr83Ter (NM_001166418.2, NM_001166448.2); c.522C>G, p.Tyr174Ter (NM_001166419.2); short protein forms Y174*, Y83*.
Identifiers: ClinVar variation 1076180 (VCV001076180.9), dbSNP rs146015223, ClinGen allele CA413640053.
Genomic context (GRCh38, chrX:72,495,184, plus strand): 5'-CAGCAAAGCATCTTTAAAACCAAAGGGCTTACCATCTCCATGGTGCAGATCCAAATCCAC[G>C]TAGAGAATACGCTCAAATTTCCGTCGCAATCGTAATATTCCCAGGACAGCATCATTGAGA-3'